The following is an entry in ClinVar:

NM_000260.4(MYO7A):c.6262C>A (p.His2088Asn)

Gene: MYO7A (myosin VIIA; plus strand). Cytogenetic location: 11q13.5.
Variant type: single nucleotide variant.
Coding change: c.6262C>A on transcript NM_000260.4 (MANE Select); coding-DNA position 6262, C replaced by A.
Protein change: p.His2088Asn; replaces histidine 2088 with asparagine.
Molecular consequence: missense variant.
Genome position (GRCh38, 1-based): chr11:77,211,845, C>A. VCF-style: chr11-77211845-C-A. GRCh37 (hg19) VCF-style: chr11-76922890-C-A.
Other names: c.6148C>A, p.His2050Asn (NM_001127180.2); c.6115C>A, p.His2039Asn (NM_001369365.1); short protein forms H2039N, H2050N, H2088N.
Identifiers: ClinVar variation 5017190 (VCV005017190.1).

ClinVar aggregate classification (germline): Uncertain significance (1 of 4 stars; one submission).

Submission:

GeneDx
Classification: Uncertain significance. Last evaluated: 2026-04-01. Review status: criteria provided, single submitter. Criteria: GeneDx Variant Classification Process June 2021. Collection method: clinical testing. Allele origin: germline.
Comment: Not observed at significant frequency in large population cohorts (gnomAD); In silico analysis supports that this missense variant has a deleterious effect on protein structure/function; Has not been previously published as pathogenic or benign to our knowledge